The following is an entry in ClinVar:

ClinVar aggregate classification (germline): Uncertain significance (1 of 4 stars; one submission).

Allele frequency attached by ClinVar (database versions not stated): gnomAD 0.00001; gnomAD exomes 0.00001 and 0.00003.

Submission:

Labcorp Genetics (formerly Invitae), Labcorp
Classification: Uncertain significance. Last evaluated: 2022-07-05. Review status: criteria provided, single submitter. Criteria: Invitae Variant Classification Sherloc (09022015). Collection method: clinical testing. Allele origin: germline.
Comment: This variant has not been reported in the literature in individuals affected with SDHAF1-related conditions. In summary, the available evidence is currently insufficient to determine the role of this variant in disease. Therefore, it has been classified as a Variant of Uncertain Significance. Algorithms developed to predict the effect of missense changes on protein structure and function are either unavailable or do not agree on the potential impact of this missense change (SIFT: "Deleterious"; PolyPhen-2: "Benign"; Align-GVGD: "Class C45"). ClinVar contains an entry for this variant (Variation ID: 1398511). This variant is present in population databases (no rsID available, gnomAD 0.02%). This sequence change replaces serine, which is neutral and polar, with asparagine, which is neutral and polar, at codon 2 of the SDHAF1 protein (p.Ser2Asn).

NM_001042631.3(SDHAF1):c.5G>A (p.Ser2Asn)

Gene: SDHAF1 (succinate dehydrogenase complex assembly factor 1; plus strand). Cytogenetic location: 19q13.12.
Variant type: single nucleotide variant.
Coding change: c.5G>A on transcript NM_001042631.3 (MANE Select); coding-DNA position 5, G replaced by A.
Protein change: p.Ser2Asn; replaces serine 2 with asparagine.
Molecular consequence: missense variant.
Genome position (GRCh38, 1-based): chr19:35,995,279, G>A. VCF-style: chr19-35995279-G-A. GRCh37 (hg19) VCF-style: chr19-36486181-G-A.
Other names: short protein forms S2N.
Identifiers: ClinVar variation 1398511 (VCV001398511.6), dbSNP rs1432703052, ClinGen allele CA405422654.